The following is an entry in ClinVar:

ClinVar aggregate classification (germline): Likely benign (1 of 4 stars; one submission).

Allele frequency attached by ClinVar (database versions not stated): ESP Exome Variant Server 0.00092; ExAC 0.00213; 1000 Genomes Project 0.00679.

Submission:

CeGaT Center for Human Genetics Tuebingen
Classification: Likely benign. Last evaluated: 2025-10-01. Review status: criteria provided, single submitter. Criteria: CeGaT Center For Human Genetics Tuebingen Variant Classification Criteria Version 2. Collection method: clinical testing. Allele origin: germline. Affected: yes. Observed: 2 variant alleles.
Comment: PRAMEF2: BP4, BP7

NM_023014.1(PRAMEF2):c.423G>A (p.Thr141=)

Genes: PRAMEF2 (PRAME family member 2; plus strand), LOC126805622 (CDK7 strongly-dependent group 2 enhancer GRCh37_chr1:12919058-12920257; plus strand). Cytogenetic location: 1p36.21.
Variant type: single nucleotide variant.
Coding change: c.423G>A on transcript NM_023014.1 (MANE Select); coding-DNA position 423, G replaced by A.
Protein change: p.Thr141=; no amino-acid change (threonine 141 retained).
Molecular consequence: synonymous variant.
Genome position (GRCh38, 1-based): chr1:12,859,828, G>A. VCF-style: chr1-12859828-G-A. GRCh37 (hg19) VCF-style: chr1-12919683-G-A.
Identifiers: ClinVar variation 3025196 (VCV003025196.22), dbSNP rs117109939, ClinGen allele CA608022.